The following is an entry in ClinVar:

ClinVar aggregate classification (germline): Uncertain significance. Review status: criteria provided, multiple submitters, no conflicts (2 of 4 stars). 2 submissions from 2 submitters: Uncertain significance (2). Last evaluated 2025-05-15.

Conditions:
Hereditary cancer-predisposing syndrome. Also called: Neoplastic Syndromes, Hereditary; Tumor predisposition; Hereditary Cancer Syndrome; Hereditary neoplastic syndrome. Identifiers: Orphanet 140162, MedGen C0027672, MeSH D009386, MONDO:0015356.
Rhabdoid tumor predisposition syndrome 2 (RTPS2). Identifiers: Orphanet 231108, Orphanet 69077, MedGen C2750074, MONDO:0013224, OMIM 613325.

Allele frequency attached by ClinVar (database versions not stated): gnomAD exomes below 0.00001.
gnomAD v4.1: 1 of 1,614,170 alleles (0.000062%); highest among the groups gnomAD compares: Non-Finnish European, 0.000085%; no homozygotes.

Submissions (2):

Ambry Genetics
Classification: Uncertain significance for Hereditary cancer-predisposing syndrome. Last evaluated: 2025-05-15. Review status: criteria provided, single submitter. Criteria: Ambry Variant Classification Scheme 2023. Collection method: clinical testing. Allele origin: germline.
Comment: The p.D632N variant (also known as c.1894G>A), located in coding exon 11 of the SMARCA4 gene, results from a G to A substitution at nucleotide position 1894. The aspartic acid at codon 632 is replaced by asparagine, an amino acid with highly similar properties. This amino acid position is not well conserved in available vertebrate species. In addition, this alteration is predicted to be tolerated by in silico analysis. Missense and in-frame variants in SMARCA4 are known to cause neurodevelopmental disorders; however, such associations with rhabdoid tumor predisposition syndrome including small cell carcinoma of the ovary-hypercalcemic type (SCCOHT) are exceedingly rare (Kosho T et al. Am J Med Genet C Semin Med Genet. 2014 Sep;166C(3):262-75; Jelinic P et al. Nat Genet. 2014 May;46(5):424-6). Based on the supporting evidence, the association of this alteration with Coffin-Siris syndrome is unknown; however, the association of this alteration with rhabdoid tumor predisposition syndrome is unlikely.

Labcorp Genetics (formerly Invitae), Labcorp
Classification: Uncertain significance for Rhabdoid tumor predisposition syndrome 2. Last evaluated: 2022-06-15. Review status: criteria provided, single submitter. Criteria: Invitae Variant Classification Sherloc (09022015). Collection method: clinical testing. Allele origin: germline.
Comment: In summary, the available evidence is currently insufficient to determine the role of this variant in disease. Therefore, it has been classified as a Variant of Uncertain Significance. Algorithms developed to predict the effect of missense changes on protein structure and function are either unavailable or do not agree on the potential impact of this missense change (SIFT: "Deleterious"; PolyPhen-2: "Benign"; Align-GVGD: "Class C15"). This variant has not been reported in the literature in individuals affected with SMARCA4-related conditions. This variant is not present in population databases (gnomAD no frequency). This sequence change replaces aspartic acid, which is acidic and polar, with asparagine, which is neutral and polar, at codon 632 of the SMARCA4 protein (p.Asp632Asn).

NM_003072.5(SMARCA4):c.1894G>A (p.Asp632Asn)

Gene: SMARCA4 (SWI/SNF related BAF chromatin remodeling complex subunit ATPase 4; plus strand). Cytogenetic location: 19p13.2.
Variant type: single nucleotide variant.
Coding change: c.1894G>A on transcript NM_003072.5 (MANE Select); coding-DNA position 1894, G replaced by A.
Protein change: p.Asp632Asn; replaces aspartic acid 632 with asparagine.
Molecular consequence: missense variant. On other transcripts: non-coding transcript variant (1).
Genome position (GRCh38, 1-based): chr19:11,003,110, G>A. VCF-style: chr19-11003110-G-A. GRCh37 (hg19) VCF-style: chr19-11113786-G-A.
Other names: c.1894G>A, p.Asp632Asn (NM_001128844.3, NM_001128845.2, NM_001128846.2 and 6 more transcripts); short protein forms D632N.
Identifiers: ClinVar variation 1782123 (VCV001782123.8), dbSNP rs2146097489, ClinGen allele CA404051620.
Genomic context (GRCh38, chr19:11,003,110, plus strand): 5'-ATGAGCGACCTCCCGGTGAAGGTGATCCACGTGGAGAGTGGGAAGATCCTCACAGGCACA[G>A]ATGCCCCCAAAGCCGGGCAGCTGGAGGCCTGGCTCGAGATGAACCCGGGGTGAGTTGGGC-3'
Protein context (NP_003063.2, residues 622-642): VESGKILTGT[Asp632Asn]APKAGQLEAW